The following is an entry in ClinVar:

NM_021098.3(CACNA1H):c.360C>G (p.Phe120Leu)

Gene: CACNA1H (calcium voltage-gated channel subunit alpha1 H; plus strand). Cytogenetic location: 16p13.3.
Variant type: single nucleotide variant.
Coding change: c.360C>G on transcript NM_021098.3 (MANE Select); coding-DNA position 360, C replaced by G.
Protein change: p.Phe120Leu; replaces phenylalanine 120 with leucine.
Molecular consequence: missense variant.
Genome position (GRCh38, 1-based): chr16:1,195,032, C>G. VCF-style: chr16-1195032-C-G. GRCh37 (hg19) VCF-style: chr16-1245032-C-G.
Other names: c.360C>G, p.Phe120Leu (NM_001005407.2); short protein forms F120L.
Identifiers: ClinVar variation 3383809 (VCV003383809.1).

ClinVar aggregate classification (germline): Uncertain significance (1 of 4 stars; one submission).

gnomAD v4.1: 2 of 1,611,794 alleles (0.00012%); highest among the groups gnomAD compares: Non-Finnish European, 0.00017%; no homozygotes.

Submission:

GeneDx
Classification: Uncertain significance. Last evaluated: 2024-05-31. Review status: criteria provided, single submitter. Criteria: GeneDx Variant Classification Process June 2021. Collection method: clinical testing. Allele origin: germline. Affected: yes.
Comment: Not observed at significant frequency in large population cohorts (gnomAD); In silico analysis supports that this missense variant has a deleterious effect on protein structure/function; Has not been previously published as pathogenic or benign to our knowledge